The following is an entry in ClinVar:

NM_006302.3(MOGS):c.1196T>C (p.Leu399Pro)

Gene: MOGS (mannosyl-oligosaccharide glucosidase; minus strand). Cytogenetic location: 2p13.1.
Variant type: single nucleotide variant.
Coding change: c.1196T>C on transcript NM_006302.3 (MANE Select); coding-DNA position 1196, T replaced by C.
Protein change: p.Leu399Pro; replaces leucine 399 with proline.
Molecular consequence: missense variant.
Genome position (GRCh38, 1-based): chr2:74,462,593, A>G on the plus strand (T>C on the coding strand, the complement: MOGS is on the minus strand). VCF-style: chr2-74462593-A-G. GRCh37 (hg19) VCF-style: chr2-74689720-A-G.
Other names: c.878T>C, p.Leu293Pro (NM_001146158.2); short protein forms L399P, L293P.
Identifiers: ClinVar variation 2088024 (VCV002088024.4), dbSNP rs2529496185, ClinGen allele CA347374440.
Genomic context (GRCh38, chr2:74,462,593, plus strand): 5'-CCTTCCACCCCGATGTCTGGCAATACCAGCCCTTGTCCGTAGAAGTAGCCAATTCCACCA[A>G]GGAGGCCGCTGAGGGCAGCCTGACCCAAAACCTGCTCGCCAGAGCTCAGGCCCTTCTCCT-3'
Protein context (NP_006293.2, residues 389-409): VLGQAALSGL[Leu399Pro]GGIGYFYGQG

ClinVar aggregate classification (germline): Uncertain significance (1 of 4 stars; one submission).

Conditions:
MOGS-congenital disorder of glycosylation. Also called: CDG 2B; MOGS-CDG; CDG IIb; GLUCOSIDASE I DEFICIENCY. Identifiers: Orphanet 79330, MedGen C1853736, MONDO:0011629, OMIM 606056.

Submission:

Labcorp Genetics (formerly Invitae), Labcorp
Classification: Uncertain significance for MOGS-congenital disorder of glycosylation. Last evaluated: 2023-10-03. Review status: criteria provided, single submitter. Criteria: Invitae Variant Classification Sherloc (09022015). Collection method: clinical testing. Allele origin: germline.
Comment: This sequence change replaces leucine, which is neutral and non-polar, with proline, which is neutral and non-polar, at codon 399 of the MOGS protein (p.Leu399Pro). This variant is not present in population databases (gnomAD no frequency). This variant has not been reported in the literature in individuals affected with MOGS-related conditions. ClinVar contains an entry for this variant (Variation ID: 2088024). Advanced modeling of protein sequence and biophysical properties (such as structural, functional, and spatial information, amino acid conservation, physicochemical variation, residue mobility, and thermodynamic stability) performed at Invitae indicates that this missense variant is expected to disrupt MOGS protein function. In summary, the available evidence is currently insufficient to determine the role of this variant in disease. Therefore, it has been classified as a Variant of Uncertain Significance.